The following is an entry in ClinVar:

ClinVar aggregate classification (germline): Uncertain significance. Review status: criteria provided, multiple submitters, no conflicts (2 of 4 stars). 2 submissions from 2 submitters: Uncertain significance (2). Last evaluated 2024-05-28.

Conditions:
3MC syndrome 1. Also called: CRANIOSYNOSTOSIS WITH LID ANOMALIES; OCULOPALATOSKELETAL SYNDROME; MICHELS SYNDROME. Identifiers: Orphanet 293843, MedGen C0796059, MONDO:0009770, OMIM 257920.

Allele frequency attached by ClinVar (database versions not stated): TOPMed below 0.00001; ExAC 0.00001; gnomAD 0.00001; gnomAD exomes 0.00001; ESP Exome Variant Server 0.00008.
gnomAD v4.1: 10 of 1,614,108 alleles (0.00062%); highest among the groups gnomAD compares: Admixed American, 0.0033%; no homozygotes.

Submissions (2):

GeneDx
Classification: Uncertain significance. Last evaluated: 2024-05-28. Review status: criteria provided, single submitter. Criteria: GeneDx Variant Classification Process June 2021. Collection method: clinical testing. Allele origin: germline. Affected: yes.
Comment: In silico analysis indicates that this missense variant does not alter protein structure/function; Has not been previously published as pathogenic or benign to our knowledge

Labcorp Genetics (formerly Invitae), Labcorp
Classification: Uncertain significance for 3MC syndrome 1. Last evaluated: 2022-06-16. Review status: criteria provided, single submitter. Criteria: Invitae Variant Classification Sherloc (09022015). Collection method: clinical testing. Allele origin: germline.
Comment: This sequence change replaces serine, which is neutral and polar, with leucine, which is neutral and non-polar, at codon 529 of the MASP1 protein (p.Ser529Leu). This variant is present in population databases (rs142630054, gnomAD 0.006%). This variant has not been reported in the literature in individuals affected with MASP1-related conditions. Algorithms developed to predict the effect of missense changes on protein structure and function (SIFT, PolyPhen-2, Align-GVGD) all suggest that this variant is likely to be tolerated. In summary, the available evidence is currently insufficient to determine the role of this variant in disease. Therefore, it has been classified as a Variant of Uncertain Significance.

NM_139125.4(MASP1):c.1586C>T (p.Ser529Leu)

Gene: MASP1 (MBL associated serine protease 1; minus strand). Cytogenetic location: 3q27.3.
Variant type: single nucleotide variant.
Coding change: c.1586C>T on transcript NM_139125.4 (MANE Select); coding-DNA position 1586, C replaced by T.
Protein change: p.Ser529Leu; replaces serine 529 with leucine.
Molecular consequence: missense variant. On other transcripts: non-coding transcript variant (1), intron variant (1).
Genome position (GRCh38, 1-based): chr3:187,236,285, G>A on the plus strand (C>T on the coding strand, the complement: MASP1 is on the minus strand). VCF-style: chr3-187236285-G-A. GRCh37 (hg19) VCF-style: chr3-186954073-G-A.
Other names: c.1303+5196C>T (NM_001879.6); short protein forms S529L.
Identifiers: ClinVar variation 1972947 (VCV001972947.3), dbSNP rs142630054, ClinGen allele CA2749227.